The following is an entry in ClinVar:

ClinVar aggregate classification (germline): Uncertain significance. Review status: criteria provided, multiple submitters, no conflicts (2 of 4 stars). 4 submissions from 4 submitters: Uncertain significance (3). 1 of the submissions does not count toward it. Last evaluated 2022-09-07.

Conditions:
ITPR1-related disorder. Also called: ITPR1-related condition.

Allele frequency attached by ClinVar (database versions not stated): TOPMed below 0.00001.
gnomAD v4.1: 49 of 1,612,754 alleles (0.003%); highest among the groups gnomAD compares: Non-Finnish European, 0.0042%; no homozygotes.

Submissions (4):

Labcorp Genetics (formerly Invitae), Labcorp
Classification: Uncertain significance. Last evaluated: 2022-09-07. Review status: criteria provided, single submitter. Criteria: Invitae Variant Classification Sherloc (09022015). Collection method: clinical testing. Allele origin: germline.
Comment: The frequency data for this variant in the population databases is considered unreliable, as metrics indicate poor data quality at this position in the gnomAD database. This sequence change replaces lysine, which is basic and polar, with asparagine, which is neutral and polar, at codon 1150 of the ITPR1 protein (p.Lys1150Asn). ClinVar contains an entry for this variant (Variation ID: 1314410). Algorithms developed to predict the effect of missense changes on protein structure and function are either unavailable or do not agree on the potential impact of this missense change (SIFT: "Deleterious"; PolyPhen-2: "Benign"; Align-GVGD: "Class C0"). In summary, the available evidence is currently insufficient to determine the role of this variant in disease. Therefore, it has been classified as a Variant of Uncertain Significance. This variant has not been reported in the literature in individuals affected with ITPR1-related conditions.

GeneDx
Classification: Uncertain significance. Last evaluated: 2021-04-02. Review status: criteria provided, single submitter. Criteria: GeneDx Variant Classification Process June 2021. Collection method: clinical testing. Allele origin: germline. Affected: yes.
Comment: In silico analysis supports that this missense variant does not alter protein structure/function; Has not been previously published as pathogenic or benign to our knowledge

Breakthrough Genomics
Classification: Uncertain significance. Review status: criteria provided, single submitter. Criteria: ACMG Guidelines, 2015. Collection method: not provided. Allele origin: germline. Inheritance: Autosomal recessive inheritance. Affected: yes.

PreventionGenetics, part of Exact Sciences
Classification: Uncertain significance for ITPR1-related condition. Last evaluated: 2024-06-17. Review status: no assertion criteria provided. Collection method: clinical testing. Allele origin: germline. Not counted in ClinVar's aggregate classification.
Comment: The ITPR1 c.3450G>T variant is predicted to result in the amino acid substitution p.Lys1150Asn. To our knowledge, this variant has not been reported in the literature. This variant is reported in 0.0018% of alleles in individuals of European (Non-Finnish) descent in gnomAD. At this time, the clinical significance of this variant is uncertain due to the absence of conclusive functional and genetic evidence.

NM_001378452.1(ITPR1):c.3522G>T (p.Lys1174Asn)

Gene: ITPR1 (inositol 1,4,5-trisphosphate receptor type 1; plus strand). Cytogenetic location: 3p26.1.
Variant type: single nucleotide variant.
Coding change: c.3522G>T on transcript NM_001378452.1 (MANE Select); coding-DNA position 3522, G replaced by T.
Protein change: p.Lys1174Asn; replaces lysine 1174 with asparagine.
Molecular consequence: missense variant.
Genome position (GRCh38, 1-based): chr3:4,684,304, G>T. VCF-style: chr3-4684304-G-T. GRCh37 (hg19) VCF-style: chr3-4725988-G-T.
Other names: c.3495G>T, p.Lys1165Asn (NM_001099952.4); c.3477G>T, p.Lys1159Asn (NM_001168272.2); c.3450G>T, p.Lys1150Asn (NM_002222.7); short protein forms K1150N, K1159N, K1165N, K1174N.
Identifiers: ClinVar variation 1314410 (VCV001314410.8), dbSNP rs771026165, ClinGen allele CA68827884.